The following is an entry in ClinVar:

NM_001167.4(XIAP):c.1153A>T (p.Ser385Cys)

Gene: XIAP (X-linked inhibitor of apoptosis; plus strand). Cytogenetic location: Xq25.
Variant type: single nucleotide variant.
Coding change: c.1153A>T on transcript NM_001167.4 (MANE Select); coding-DNA position 1153, A replaced by T.
Protein change: p.Ser385Cys; replaces serine 385 with cysteine.
Molecular consequence: missense variant. On other transcripts: non-coding transcript variant (2).
Genome position (GRCh38, 1-based): chrX:123,900,546, A>T. VCF-style: chrX-123900546-A-T. GRCh37 (hg19) VCF-style: chrX-123034396-A-T.
Other names: c.1153A>T, p.Ser385Cys (NM_001204401.2, NM_001378590.1, NM_001378591.1 and 1 more transcripts); short protein forms S385C.
Identifiers: ClinVar variation 3619468 (VCV003619468.2).

ClinVar aggregate classification (germline): Uncertain significance (1 of 4 stars; one submission).

Conditions:
X-linked lymphoproliferative disease due to XIAP deficiency. Also called: XIAP DEFICIENCY; XIAP-Related Lymphoproliferative Disease, X-Linked. Identifiers: Orphanet 2442, Orphanet 538934, MedGen C1845076, MONDO:0010385, OMIM 300635.

Submission:

Labcorp Genetics (formerly Invitae), Labcorp
Classification: Uncertain significance for X-linked lymphoproliferative disease due to XIAP deficiency. Last evaluated: 2024-09-02. Review status: criteria provided, single submitter. Criteria: Invitae Variant Classification Sherloc (09022015). Collection method: clinical testing. Allele origin: germline.
Comment: This sequence change replaces serine, which is neutral and polar, with cysteine, which is neutral and slightly polar, at codon 385 of the XIAP protein (p.Ser385Cys). This variant is not present in population databases (gnomAD no frequency). This variant has not been reported in the literature in individuals affected with XIAP-related conditions. Invitae Evidence Modeling of protein sequence and biophysical properties (such as structural, functional, and spatial information, amino acid conservation, physicochemical variation, residue mobility, and thermodynamic stability) indicates that this missense variant is not expected to disrupt XIAP protein function with a negative predictive value of 80%. In summary, the available evidence is currently insufficient to determine the role of this variant in disease. Therefore, it has been classified as a Variant of Uncertain Significance.